The following is an entry in ClinVar:

ClinVar aggregate classification (germline): Likely benign. Review status: criteria provided, single submitter (1 of 4 stars). 2 submissions from 2 submitters: Likely benign (1). 1 of the submissions does not count toward it. Last evaluated 2024-11-01.

Conditions:
SFTPA2-related disorder. Also called: SFTPA2-related condition.

Allele frequency attached by ClinVar (database versions not stated): ExAC 0.00012; gnomAD exomes 0.00120; gnomAD 0.00385; 1000 Genomes Project 30x 0.01187.

Submissions (2):

Blueprint Genetics
Classification: Likely benign. Last evaluated: 2024-11-01. Review status: criteria provided, single submitter. Criteria: ACMG Guidelines, 2015. Collection method: clinical testing. Allele origin: germline.

PreventionGenetics, part of Exact Sciences
Classification: Benign for SFTPA2-related condition. Last evaluated: 2019-05-17. Review status: no assertion criteria provided. Collection method: clinical testing. Allele origin: germline. Not counted in ClinVar's aggregate classification.
Comment: This variant is classified as benign based on ACMG/AMP sequence variant interpretation guidelines (Richards et al. 2015 PMID: 25741868, with internal and published modifications).

NM_001098668.4(SFTPA2):c.56C>T (p.Ala19Val)

Gene: SFTPA2 (surfactant protein A2; minus strand). Cytogenetic location: 10q22.3.
Variant type: single nucleotide variant.
Coding change: c.56C>T on transcript NM_001098668.4 (MANE Select); coding-DNA position 56, C replaced by T.
Protein change: p.Ala19Val; replaces alanine 19 with valine.
Molecular consequence: missense variant.
Genome position (GRCh38, 1-based): chr10:79,559,428, G>A on the plus strand (C>T on the coding strand, the complement: SFTPA2 is on the minus strand). VCF-style: chr10-79559428-G-A. GRCh37 (hg19) VCF-style: chr10-81319184-G-A.
Other names: c.56C>T, p.Ala19Val (NM_001320813.2); c.86C>T, p.Ala29Val (NM_001320814.1); short protein forms A19V, A29V.
Identifiers: ClinVar variation 3041540 (VCV003041540.3), dbSNP rs201847938, ClinGen allele CA5574226.